The following is an entry in ClinVar:

ClinVar aggregate classification (germline): Likely benign. Review status: criteria provided, single submitter (1 of 4 stars). 2 submissions from 2 submitters: Likely benign (1). 1 of the submissions does not count toward it. Last evaluated 2025-10-03.

Conditions:
DISP1-related disorder. Also called: DISP1-related condition.

Allele frequency attached by ClinVar (database versions not stated): gnomAD exomes 0.00010 and 0.00012; gnomAD 0.00014 and 0.00016; TOPMed 0.00014; ESP Exome Variant Server 0.00015; 1000 Genomes Project 30x 0.00016; ExAC 0.00016; 1000 Genomes Project 0.00020.
gnomAD v4.1: 176 of 1,614,040 alleles (0.011%); highest among the groups gnomAD compares: Middle Eastern, 0.12%; no homozygotes.

Submissions (2):

Labcorp Genetics (formerly Invitae), Labcorp
Classification: Likely benign. Last evaluated: 2025-10-03. Review status: criteria provided, single submitter. Criteria: Invitae Variant Classification Sherloc (09022015). Collection method: clinical testing. Allele origin: germline.

PreventionGenetics, part of Exact Sciences
Classification: Likely benign for DISP1-related condition. Last evaluated: 2024-05-31. Review status: no assertion criteria provided. Collection method: clinical testing. Allele origin: germline. Not counted in ClinVar's aggregate classification.
Comment: This variant is classified as likely benign based on ACMG/AMP sequence variant interpretation guidelines (Richards et al. 2015 PMID: 25741868, with internal and published modifications).

NM_001377229.1(DISP1):c.558C>T (p.Ala186=)

Gene: DISP1 (dispatched RND transporter family member 1; plus strand). Cytogenetic location: 1q41.
Variant type: single nucleotide variant.
Coding change: c.558C>T on transcript NM_001377229.1 (MANE Select); coding-DNA position 558, C replaced by T.
Protein change: p.Ala186=; no amino-acid change (alanine 186 retained).
Molecular consequence: synonymous variant. On other transcripts: 5 prime UTR variant (1).
Genome position (GRCh38, 1-based): chr1:222,990,643, C>T. VCF-style: chr1-222990643-C-T. GRCh37 (hg19) VCF-style: chr1-223163985-C-T.
Other names: c.-330C>T (NM_001350630.2); c.558C>T, p.Ala186= (NM_001369594.1, NM_001377228.1, NM_032890.5).
Identifiers: ClinVar variation 792929 (VCV000792929.9), dbSNP rs111752505, ClinGen allele CA1408850.
Genomic context (GRCh38, chr1:222,990,643, plus strand): 5'-GTTATGCAGCTCTGATAGCCGACACTTCTTTGTGTTTTGTAGTTATGCAGCCCTGATAGC[C>T]GACTGGCCGGTGGTGGTCTTGGGCATGTGCACCATGTTCATCGTAGTCTGTGCCTTGGTT-3'
Protein context (NP_001364158.1, residues 176-196): KLPKSYAALI[Ala186=]DWPVVVLGMC